The following is an entry in ClinVar:

ClinVar aggregate classification (germline): Uncertain significance (1 of 4 stars; one submission).

Conditions:
Thrombocytopenia 2 (THC2). Also called: ANKRD26-Related Thrombocytopenia. Identifiers: Orphanet 268322, MedGen C1861185, MONDO:0008555, OMIM 188000.

Submission:

Laboratorio de Genetica e Diagnostico Molecular, Hospital Israelita Albert Einstein
Classification: Uncertain significance for Thrombocytopenia 2. Last evaluated: 2025-06-11. Review status: criteria provided, single submitter. Criteria: ACMG Guidelines, 2015. Collection method: clinical testing. Allele origin: germline. Affected: yes.
Comment: ACMG classification criteria: PM2 supporting, PP3 supporting

NM_014915.3(ANKRD26):c.4952A>C (p.Lys1651Thr)

Gene: ANKRD26 (ankyrin repeat domain 26; minus strand). Cytogenetic location: 10p12.1.
Variant type: single nucleotide variant.
Coding change: c.4952A>C on transcript NM_014915.3 (MANE Select); coding-DNA position 4952, A replaced by C.
Protein change: p.Lys1651Thr; replaces lysine 1651 with threonine.
Molecular consequence: missense variant.
Genome position (GRCh38, 1-based): chr10:27,012,883, T>G on the plus strand (A>C on the coding strand, the complement: ANKRD26 is on the minus strand). VCF-style: chr10-27012883-T-G. GRCh37 (hg19) VCF-style: chr10-27301812-T-G.
Other names: c.4949A>C, p.Lys1650Thr (NM_001256053.2); short protein forms K1650T, K1651T.
Identifiers: ClinVar variation 4846859 (VCV004846859.1).